The following is an entry in ClinVar:

NM_024675.4(PALB2):c.704C>G (p.Thr235Arg)

Gene: PALB2 (partner and localizer of BRCA2; minus strand). Cytogenetic location: 16p12.2.
Variant type: single nucleotide variant.
Coding change: c.704C>G on transcript NM_024675.4 (MANE Select); coding-DNA position 704, C replaced by G.
Protein change: p.Thr235Arg; replaces threonine 235 with arginine.
Molecular consequence: missense variant. On other transcripts: 5 prime UTR variant (8), intron variant (3).
Genome position (GRCh38, 1-based): chr16:23,635,842, G>C on the plus strand (C>G on the coding strand, the complement: PALB2 is on the minus strand). VCF-style: chr16-23635842-G-C. GRCh37 (hg19) VCF-style: chr16-23647163-G-C.
Other names: c.644C>G, p.Thr215Arg (NM_001407296.1); c.704C>G, p.Thr235Arg (NM_001407297.1, NM_001407298.1, NM_001407299.1 and 3 more transcripts); c.-182C>G (NM_001407304.1, NM_001407305.1, NM_001407306.1 and 5 more transcripts); c.48+5268C>G (NM_001407314.1); c.-105+5268C>G (NM_001407313.1, NM_001407312.1); short protein forms T215R, T235R.
Identifiers: ClinVar variation 2752862 (VCV002752862.3), dbSNP rs1385914265, ClinGen allele CA395136363.
Genomic context (GRCh38, chr16:23,635,842, plus strand): 5'-TCTGATAGAGTCTGTAAAGGAACTGTAGTCGCCCTGGTGAAATTAGGTCTTCTTAGGAAT[G>C]TATCAACACCTTTTTCTGGTTGGGCAGTTGGTGGAATTAATACACTGTCTTCATTAATTT-3'
Protein context (NP_078951.2, residues 225-245): PTAQPEKGVD[Thr235Arg]FLRRPNFTRA

ClinVar aggregate classification (germline): Uncertain significance (1 of 4 stars; one submission).

Conditions:
Familial cancer of breast. Also called: BREAST CANCER, FAMILIAL; hereditary breast carcinoma; Hereditary breast cancer. Identifiers: Orphanet 227535, MedGen C0346153, MONDO:0016419, OMIM 114480. Disease mechanism: loss of function.

gnomAD v4.1: 1 of 1,614,162 alleles (0.000062%); highest among the groups gnomAD compares: Non-Finnish European, 0.000085%; no homozygotes.

Submission:

Labcorp Genetics (formerly Invitae), Labcorp
Classification: Uncertain significance for Familial cancer of breast. Last evaluated: 2023-08-16. Review status: criteria provided, single submitter. Criteria: Invitae Variant Classification Sherloc (09022015). Collection method: clinical testing. Allele origin: germline.
Comment: In summary, the available evidence is currently insufficient to determine the role of this variant in disease. Therefore, it has been classified as a Variant of Uncertain Significance. Algorithms developed to predict the effect of missense changes on protein structure and function output the following: SIFT: "Not Available"; PolyPhen-2: "Benign"; Align-GVGD: "Not Available". The arginine amino acid residue is found in multiple mammalian species, which suggests that this missense change does not adversely affect protein function. This variant has not been reported in the literature in individuals affected with PALB2-related conditions. This variant is not present in population databases (gnomAD no frequency). This sequence change replaces threonine, which is neutral and polar, with arginine, which is basic and polar, at codon 235 of the PALB2 protein (p.Thr235Arg).